The following is an entry in ClinVar:

NM_000202.8(IDS):c.419-3A>G

Genes: IDS (iduronate 2-sulfatase; minus strand), LOC106050102 (IDS recombination region; plus strand). Cytogenetic location: Xq28.
Variant type: single nucleotide variant.
Coding change: c.419-3A>G on transcript NM_000202.8 (MANE Select); 3 bases into the intron before coding-DNA position 419, A replaced by G.
Molecular consequence: intron variant.
Genome position (GRCh38, 1-based): chrX:149,501,040, T>C on the plus strand (A>G on the coding strand, the complement: IDS is on the minus strand). VCF-style: chrX-149501040-T-C. GRCh37 (hg19) VCF-style: chrX-148582571-T-C.
Other names: c.149-3A>G (NM_001166550.4); c.419-3A>G (NM_006123.5).
Identifiers: ClinVar variation 2897842 (VCV002897842.3), dbSNP rs2520881602, ClinGen allele CA2694898457.
Genomic context (GRCh38, chrX:149,501,040, plus strand): 5'-TGATAAGGTGGAAAAGACCAGCTATACGGAGAATCATCGGTATGGTTAGAAGATATCCCT[T>C]GGAAAAAAAAAAAGGTTGTTAAAACATGATGAGTCTTTCAACACCCCACTCCCCATAATT-3'

ClinVar aggregate classification (germline): Uncertain significance (1 of 4 stars; one submission).

Conditions:
Mucopolysaccharidosis, MPS-II (MPS2). Also called: Attenuated MPS (subtype; formerly known as mild MPS II); Severe MPS II; I2S deficiency; MPS 2; Hunter Syndrome; IDURONATE 2-SULFATASE DEFICIENCY. Identifiers: Orphanet 580, Orphanet 79388, MedGen C0026705, MONDO:0010674, OMIM 309900.

Submission:

Labcorp Genetics (formerly Invitae), Labcorp
Classification: Uncertain significance for Mucopolysaccharidosis, MPS-II. Last evaluated: 2023-01-24. Review status: criteria provided, single submitter. Criteria: Invitae Variant Classification Sherloc (09022015). Collection method: clinical testing. Allele origin: germline.
Comment: This variant is not present in population databases (gnomAD no frequency). In summary, the available evidence is currently insufficient to determine the role of this variant in disease. Therefore, it has been classified as a Variant of Uncertain Significance. Variants that disrupt the consensus splice site are a relatively common cause of aberrant splicing (PMID: 17576681, 9536098). Algorithms developed to predict the effect of sequence changes on RNA splicing suggest that this variant may create or strengthen a splice site. This variant has not been reported in the literature in individuals affected with IDS-related conditions. This sequence change falls in intron 3 of the IDS gene. It does not directly change the encoded amino acid sequence of the IDS protein. It affects a nucleotide within the consensus splice site.

Literature cited by the submitters: PubMed 17576681; PubMed 9536098.